The following is an entry in ClinVar:

ClinVar aggregate classification (germline): Uncertain significance (1 of 4 stars; one submission).

Submission:

GeneDx
Classification: Uncertain significance. Last evaluated: 2020-01-29. Review status: criteria provided, single submitter. Criteria: GeneDx Variant Classification Process June 2021. Collection method: clinical testing. Allele origin: germline. Affected: yes.
Comment: Not observed in large population cohorts (Lek et al., 2016); Nonsense variant predicted to result in protein truncation or nonsense mediated decay in a gene for which loss-of-function is not a known mechanism of disease; Has not been previously published as pathogenic or benign to our knowledge

NM_001085049.3(MRAS):c.575G>A (p.Trp192Ter)

Gene: MRAS (muscle RAS oncogene homolog; plus strand). Cytogenetic location: 3q22.3.
Variant type: single nucleotide variant.
Coding change: c.575G>A on transcript NM_001085049.3 (MANE Select); coding-DNA position 575, G replaced by A.
Protein change: p.Trp192Ter; replaces tryptophan 192 with a stop codon.
Molecular consequence: nonsense.
Genome position (GRCh38, 1-based): chr3:138,402,217, G>A. VCF-style: chr3-138402217-G-A. GRCh37 (hg19) VCF-style: chr3-138121059-G-A.
Other names: c.575G>A, p.Trp192Ter (NM_001252090.2, NM_012219.4); c.347G>A, p.Trp116Ter (NM_001252091.1, NM_001252092.2, NM_001252093.2); short protein forms W116*, W192*.
Identifiers: ClinVar variation 1313544 (VCV001313544.2), dbSNP rs2108570214, ClinGen allele CA354677917.
Genomic context (GRCh38, chr3:138,402,217, plus strand): 5'-ATTGTTTCAAAAGGCAACAGATTCCGGAAAAAAGCCAGAAGAAGAAGAAGAAAACCAAAT[G>A]GCGGGGAGACCGGGCCACAGGCACCCACAAACTGCAATGTGTGATCTTGTGACAGGCCTG-3'